The following is an entry in ClinVar:

NM_004655.4(AXIN2):c.2191C>G (p.Gln731Glu)

Gene: AXIN2 (axin 2; minus strand). Cytogenetic location: 17q24.1.
Variant type: single nucleotide variant.
Coding change: c.2191C>G on transcript NM_004655.4 (MANE Select); coding-DNA position 2191, C replaced by G.
Protein change: p.Gln731Glu; replaces glutamine 731 with glutamic acid.
Molecular consequence: missense variant.
Genome position (GRCh38, 1-based): chr17:65,535,672, G>C on the plus strand (C>G on the coding strand, the complement: AXIN2 is on the minus strand). VCF-style: chr17-65535672-G-C. GRCh37 (hg19) VCF-style: chr17-63531790-G-C.
Other names: c.1996C>G, p.Gln666Glu (NM_001363813.1); short protein forms Q666E, Q731E.
Identifiers: ClinVar variation 1026878 (VCV001026878.11), dbSNP rs2043899828, ClinGen allele CA400675784.

ClinVar aggregate classification (germline): Uncertain significance. Review status: criteria provided, multiple submitters, no conflicts (2 of 4 stars). 2 submissions from 2 submitters: Uncertain significance (2). Last evaluated 2021-06-21.

Conditions:
Hereditary cancer-predisposing syndrome. Also called: Neoplastic Syndromes, Hereditary; Tumor predisposition; Hereditary Cancer Syndrome; Hereditary neoplastic syndrome. Identifiers: Orphanet 140162, MedGen C0027672, MeSH D009386, MONDO:0015356.
Oligodontia-cancer predisposition syndrome. Also called: TOOTH AGENESIS-COLORECTAL CANCER SYNDROME. Identifiers: Orphanet 300576, MedGen C1837750, MONDO:0012075, OMIM 608615. Disease mechanism: loss of function.

Allele frequency attached by ClinVar (database versions not stated): gnomAD exomes below 0.00001.
gnomAD v4.1: 1 of 1,614,224 alleles (0.000062%); highest among the groups gnomAD compares: Non-Finnish European, 0.000085%; no homozygotes.

Submissions (2):

Ambry Genetics
Classification: Uncertain significance for Hereditary cancer-predisposing syndrome. Last evaluated: 2021-06-21. Review status: criteria provided, single submitter. Criteria: Ambry Variant Classification Scheme 2023. Collection method: clinical testing. Allele origin: germline.
Comment: The p.Q731E variant (also known as c.2191C>G), located in coding exon 8 of the AXIN2 gene, results from a C to G substitution at nucleotide position 2191. The glutamine at codon 731 is replaced by glutamic acid, an amino acid with highly similar properties. This amino acid position is not well conserved in available vertebrate species. In addition, this alteration is predicted to be tolerated by in silico analysis. Since supporting evidence is limited at this time, the clinical significance of this alteration remains unclear.

Labcorp Genetics (formerly Invitae), Labcorp
Classification: Uncertain significance for Oligodontia-cancer predisposition syndrome. Last evaluated: 2020-02-12. Review status: criteria provided, single submitter. Criteria: Invitae Variant Classification Sherloc (09022015). Collection method: clinical testing. Allele origin: germline.
Comment: This variant has not been reported in the literature in individuals with AXIN2-related conditions. This sequence change replaces glutamine with glutamic acid at codon 731 of the AXIN2 protein (p.Gln731Glu). The glutamine residue is moderately conserved and there is a small physicochemical difference between glutamine and glutamic acid. This variant is not present in population databases (ExAC no frequency). Algorithms developed to predict the effect of missense changes on protein structure and function (SIFT, PolyPhen-2, Align-GVGD) all suggest that this variant is likely to be tolerated, but these predictions have not been confirmed by published functional studies and their clinical significance is uncertain. In summary, the available evidence is currently insufficient to determine the role of this variant in disease. Therefore, it has been classified as a Variant of Uncertain Significance.